The following is an entry in ClinVar:

NM_001366900.1(TTC21A):c.1505A>T (p.Gln502Leu)

Gene: TTC21A (tetratricopeptide repeat domain 21A; plus strand). Cytogenetic location: 3p22.2.
Variant type: single nucleotide variant.
Coding change: c.1505A>T on transcript NM_001366900.1 (MANE Select); coding-DNA position 1505, A replaced by T.
Protein change: p.Gln502Leu; replaces glutamine 502 with leucine.
Molecular consequence: missense variant. On other transcripts: non-coding transcript variant (1).
Genome position (GRCh38, 1-based): chr3:39,126,373, A>T. VCF-style: chr3-39126373-A-T. GRCh37 (hg19) VCF-style: chr3-39167864-A-T.
Other names: c.1382A>T, p.Gln461Leu (NM_001105513.3); c.1529A>T, p.Gln510Leu (NM_001366899.1, NM_145755.3); short protein forms Q461L, Q502L, Q510L.
Identifiers: ClinVar variation 3052205 (VCV003052205.3), dbSNP rs140805783, ClinGen allele CA2324393.
Genomic context (GRCh38, chr3:39,126,373, plus strand): 5'-TCTTGAATCCTGTAGTCAAAGCAGCACCAGCTCTGATCGACCCCCTGTATTTGATGGCTC[A>T]GGTCAGGTATTACTCAGGTGAGCGGGGGATCCTGACAGCCGGGTGGGGCCTTGCAAACAC-3'
Protein context (NP_001353829.1, residues 492-512): ALIDPLYLMA[Gln502Leu]VRYYSGELEN

ClinVar aggregate classification (germline): Uncertain significance. Review status: criteria provided, single submitter (1 of 4 stars). 2 submissions from 2 submitters: Uncertain significance (1). 1 of the submissions does not count toward it. Last evaluated 2025-08-24.

Conditions:
TTC21A-related disorder. Also called: TTC21A-related condition.

Allele frequency attached by ClinVar (database versions not stated): gnomAD exomes 0.00018; ExAC 0.00051; 1000 Genomes Project 0.00080; 1000 Genomes Project 30x 0.00109; ESP Exome Variant Server 0.00114; gnomAD 0.00171; TOPMed 0.00186.
gnomAD v4.1: 541 of 1,613,602 alleles (0.034%); highest among the groups gnomAD compares: African/African-American, 0.57%; 3 homozygotes.

Submissions (2):

Ambry Genetics
Classification: Uncertain significance. Last evaluated: 2025-08-24. Review status: criteria provided, single submitter. Criteria: Ambry Variant Classification Scheme 2023. Collection method: clinical testing. Allele origin: germline.

PreventionGenetics, part of Exact Sciences
Classification: Likely benign for TTC21A-related condition. Last evaluated: 2020-02-04. Review status: no assertion criteria provided. Collection method: clinical testing. Allele origin: germline. Not counted in ClinVar's aggregate classification.
Comment: This variant is classified as likely benign based on ACMG/AMP sequence variant interpretation guidelines (Richards et al. 2015 PMID: 25741868, with internal and published modifications).